The following is an entry in ClinVar:

NM_004656.4(BAP1):c.1515_1516del (p.Pro506fs)

Gene: BAP1 (BRCA1 associated deubiquitinase 1; minus strand). Cytogenetic location: 3p21.1.
Variant type: Deletion.
Coding change: c.1515_1516del on transcript NM_004656.4 (MANE Select); coding-DNA positions 1515 to 1516, 2 bases deleted (GC; older notation c.1515_1516delGC).
Protein change: p.Pro506fs; shifts the reading frame from proline 506.
Molecular consequence: frameshift variant.
Genome position (GRCh38, 1-based): chr3:52,403,629-52,403,630, GC deleted on the plus strand (GC on the coding strand, the reverse complement: BAP1 is on the minus strand); deleting any 2 consecutive bases within chr3:52,403,629-52,403,631 gives the same sequence; the c. name uses the placement nearest the transcript's 3' end. VCF-style (leftmost placement, unchanged base first): chr3-52403628-GGC-G. GRCh37 (hg19) VCF-style: chr3-52437644-GGC-G.
Other names: c.1460_1461delCG, p.Pro488Thrfs (NM_001410772.1); short protein forms P506fs.
Identifiers: ClinVar variation 2046270 (VCV002046270.4), dbSNP rs2471328509, ClinGen allele CA2580070229.

ClinVar aggregate classification (germline): Pathogenic (1 of 4 stars; one submission).

Conditions:
BAP1-related tumor predisposition syndrome (TPDS1). Also called: BAP1 tumor predisposition syndrome; COMMON Syndrome; Tumor susceptibility linked to germline BAP1 mutations; TUMOR PREDISPOSITION SYNDROME 1. Identifiers: Orphanet 289539, MedGen C3280492, MONDO:0013692, OMIM 614327.

Submission:

Labcorp Genetics (formerly Invitae), Labcorp
Classification: Pathogenic for BAP1-related tumor predisposition syndrome. Last evaluated: 2021-12-18. Review status: criteria provided, single submitter. Criteria: Invitae Variant Classification Sherloc (09022015). Collection method: clinical testing. Allele origin: germline.
Comment: For these reasons, this variant has been classified as Pathogenic. This variant has not been reported in the literature in individuals affected with BAP1-related conditions. This variant is not present in population databases (gnomAD no frequency). This sequence change creates a premature translational stop signal (p.Pro506Thrfs*30) in the BAP1 gene. It is expected to result in an absent or disrupted protein product. Loss-of-function variants in BAP1 are known to be pathogenic (PMID: 21874000, 23684012).

Literature cited by the submitters: PubMed 21874000; PubMed 23684012.